The following is an entry in ClinVar:

NM_000170.3(GLDC):c.2993T>G (p.Leu998Arg)

Gene: GLDC (glycine decarboxylase; minus strand). Cytogenetic location: 9p24.1.
Variant type: single nucleotide variant.
Coding change: c.2993T>G on transcript NM_000170.3 (MANE Select); coding-DNA position 2993, T replaced by G.
Protein change: p.Leu998Arg; replaces leucine 998 with arginine.
Molecular consequence: missense variant.
Genome position (GRCh38, 1-based): chr9:6,533,087, A>C on the plus strand (T>G on the coding strand, the complement: GLDC is on the minus strand). VCF-style: chr9-6533087-A-C. GRCh37 (hg19) VCF-style: chr9-6533087-A-C.
Other names: short protein forms L998R.
Identifiers: ClinVar variation 943868 (VCV000943868.9), dbSNP rs1817035007, ClinGen allele CA372881629.

ClinVar aggregate classification (germline): Uncertain significance (1 of 4 stars; one submission).

Conditions:
Glycine encephalopathy. Also called: Nonketotic hyperglycinemia; Non-ketotic hyperglycinemia. Identifiers: Orphanet 407, MedGen C0751748, MONDO:0011612, HP:0008288.

Submission:

Labcorp Genetics (formerly Invitae), Labcorp
Classification: Uncertain significance for Glycine encephalopathy. Last evaluated: 2024-07-08. Review status: criteria provided, single submitter. Criteria: Invitae Variant Classification Sherloc (09022015). Collection method: clinical testing. Allele origin: germline.
Comment: This sequence change replaces leucine, which is neutral and non-polar, with arginine, which is basic and polar, at codon 998 of the GLDC protein (p.Leu998Arg). This variant is not present in population databases (gnomAD no frequency). This variant has not been reported in the literature in individuals affected with GLDC-related conditions. ClinVar contains an entry for this variant (Variation ID: 943868). Advanced modeling of protein sequence and biophysical properties (such as structural, functional, and spatial information, amino acid conservation, physicochemical variation, residue mobility, and thermodynamic stability) performed at Invitae indicates that this missense variant is expected to disrupt GLDC protein function with a positive predictive value of 80%. In summary, the available evidence is currently insufficient to determine the role of this variant in disease. Therefore, it has been classified as a Variant of Uncertain Significance.